The following is an entry in ClinVar:

ClinVar aggregate classification (germline): Uncertain significance (1 of 4 stars; one submission).

Allele frequency attached by ClinVar (database versions not stated): gnomAD exomes below 0.00001 and 0.00001; ExAC 0.00001; gnomAD 0.00001; TOPMed 0.00001.
gnomAD v4.1: 10 of 1,609,750 alleles (0.00062%); highest among the groups gnomAD compares: East Asian, 0.0022%; no homozygotes.

Submission:

Labcorp Genetics (formerly Invitae), Labcorp
Classification: Uncertain significance. Last evaluated: 2024-02-18. Review status: criteria provided, single submitter. Criteria: Invitae Variant Classification Sherloc (09022015). Collection method: clinical testing. Allele origin: germline.
Comment: This sequence change replaces arginine, which is basic and polar, with cysteine, which is neutral and slightly polar, at codon 777 of the PLK4 protein (p.Arg777Cys). This variant is present in population databases (rs768228602, gnomAD 0.0009%). This variant has not been reported in the literature in individuals affected with PLK4-related conditions. ClinVar contains an entry for this variant (Variation ID: 1359132). An algorithm developed to predict the effect of missense changes on protein structure and function (PolyPhen-2) suggests that this variant is likely to be disruptive. Algorithms developed to predict the effect of sequence changes on RNA splicing suggest that this variant may disrupt the consensus splice site. In summary, the available evidence is currently insufficient to determine the role of this variant in disease. Therefore, it has been classified as a Variant of Uncertain Significance.

NM_014264.5(PLK4):c.2329C>T (p.Arg777Cys)

Gene: PLK4 (polo like kinase 4; plus strand). Cytogenetic location: 4q28.1.
Variant type: single nucleotide variant.
Coding change: c.2329C>T on transcript NM_014264.5 (MANE Select); coding-DNA position 2329, C replaced by T.
Protein change: p.Arg777Cys; replaces arginine 777 with cysteine.
Molecular consequence: missense variant.
Genome position (GRCh38, 1-based): chr4:127,893,519, C>T. VCF-style: chr4-127893519-C-T. GRCh37 (hg19) VCF-style: chr4-128814674-C-T.
Other names: c.2233C>T, p.Arg745Cys (NM_001190799.2); c.2206C>T, p.Arg736Cys (NM_001190801.2); short protein forms R745C, R736C, R777C.
Identifiers: ClinVar variation 1359132 (VCV001359132.4), dbSNP rs768228602, ClinGen allele CA3077034.